The following is an entry in ClinVar:

ClinVar aggregate classification (germline): Uncertain significance (1 of 4 stars; one submission).

Allele frequency attached by ClinVar (database versions not stated): 1000 Genomes Project 30x 0.00016; TOPMed 0.00021; gnomAD 0.00024.
gnomAD v4.1: 62 of 1,476,664 alleles (0.0042%); highest among the groups gnomAD compares: African/African-American, 0.084%; no homozygotes.

Submission:

GeneDx
Classification: Uncertain significance. Last evaluated: 2023-07-19. Review status: criteria provided, single submitter. Criteria: GeneDx Variant Classification Process June 2021. Collection method: clinical testing. Allele origin: germline. Affected: yes.
Comment: Occurs within the Kozak consensus sequence; however, in the absence of functional studies, it is unknown whether this variant disrupts normal gene translation; No variants in the regulatory region of the MIB1 gene have been reported in the Human Gene Mutation Database (HGMD); Has not been previously reported as pathogenic or benign to our knowledge

NM_020774.4(MIB1):c.-5C>T

Genes: MIB1 (MIB E3 ubiquitin protein ligase 1; plus strand), LOC130062254 (ATAC-STARR-seq lymphoblastoid silent region 9344; plus strand). Cytogenetic location: 18q11.2.
Variant type: single nucleotide variant.
Coding change: c.-5C>T on transcript NM_020774.4 (MANE Select); 5 bases upstream of the start codon, C replaced by T.
Molecular consequence: 5 prime UTR variant.
Genome position (GRCh38, 1-based): chr18:21,741,579, C>T. VCF-style: chr18-21741579-C-T. GRCh37 (hg19) VCF-style: chr18-19321540-C-T.
Identifiers: ClinVar variation 1173032 (VCV001173032.4), dbSNP rs767959946, ClinGen allele CA8907899.